The following is an entry in ClinVar:

ClinVar aggregate classification (germline): Benign/Likely benign. Review status: criteria provided, multiple submitters, no conflicts (2 of 4 stars). 3 submissions from 3 submitters: Benign (1); Likely benign (2). Last evaluated 2025-06-20.

Conditions:
Dilated cardiomyopathy 1G (CMD1G). Identifiers: Orphanet 154, MedGen C1858763, MONDO:0011400, OMIM 604145.
Autosomal recessive limb-girdle muscular dystrophy type 2J (LGMDR10). Also called: Limb-girdle muscular dystrophy, type 2J; MUSCULAR DYSTROPHY, LIMB-GIRDLE, AUTOSOMAL RECESSIVE 10. Identifiers: Orphanet 140922, MedGen C1837342, MONDO:0012127, OMIM 608807.

Allele frequency attached by ClinVar (database versions not stated): gnomAD exomes below 0.00001; TOPMed 0.00003; ExAC 0.00001; gnomAD 0.00001.
gnomAD v4.1: 5 of 1,610,774 alleles (0.00031%); highest among the groups gnomAD compares: African/African-American, 0.0053%; no homozygotes.

Submissions (3):

Labcorp Genetics (formerly Invitae), Labcorp
Classification: Likely benign for Dilated cardiomyopathy 1G; Autosomal recessive limb-girdle muscular dystrophy type 2J. Last evaluated: 2025-06-20. Review status: criteria provided, single submitter. Criteria: Invitae Variant Classification Sherloc (09022015). Collection method: clinical testing. Allele origin: germline.

ARUP Laboratories, Molecular Genetics and Genomics, ARUP Laboratories
Classification: Likely benign. Last evaluated: 2024-07-25. Review status: criteria provided, single submitter. Criteria: ARUP Molecular Germline Variant Investigation Process 2024. Collection method: clinical testing. Allele origin: germline.

GeneDx
Classification: Benign. Last evaluated: 2013-08-12. Review status: criteria provided, single submitter. Criteria: GeneDx Variant Classification (06012015). Collection method: clinical testing. Allele origin: germline. Affected: yes.
Comment: This variant is considered likely benign or benign based on one or more of the following criteria: it is a conservative change, it occurs at a poorly conserved position in the protein, it is predicted to be benign by multiple in silico algorithms, and/or has population frequency not consistent with disease.

NM_001267550.2(TTN):c.16017G>A (p.Val5339=)

Gene: TTN (titin; minus strand). Cytogenetic location: 2q31.2.
Variant type: single nucleotide variant.
Coding change: c.16017G>A on transcript NM_001267550.2 (MANE Select); coding-DNA position 16017, G replaced by A.
Protein change: p.Val5339=; no amino-acid change (valine 5339 retained).
Molecular consequence: synonymous variant. On other transcripts: intron variant (3).
Genome position (GRCh38, 1-based): chr2:178,733,276, C>T on the plus strand (G>A on the coding strand, the complement: TTN is on the minus strand). VCF-style: chr2-178733276-C-T. GRCh37 (hg19) VCF-style: chr2-179598003-C-T.
Other names: p.V5022V:GTG>GTA; c.15066G>A, p.Val5022= (NM_001256850.1); c.12285G>A, p.Val4095= (NM_133378.4); c.13282+4806G>A (NM_003319.4); c.13858+4806G>A (NM_133437.4); c.13657+4806G>A (NM_133432.3).
Identifiers: ClinVar variation 137837 (VCV000137837.49), dbSNP rs587780989, ClinGen allele CA291527.